The following is an entry in ClinVar:

ClinVar aggregate classification (germline): Uncertain significance (1 of 4 stars; one submission).

Conditions:
Cardiovascular phenotype. Identifiers: MedGen CN230736.
Hereditary cancer-predisposing syndrome. Also called: Hereditary neoplastic syndrome; Neoplastic Syndromes, Hereditary; Tumor predisposition; Hereditary Cancer Syndrome. Identifiers: Orphanet 140162, MedGen C0027672, MeSH D009386, MONDO:0015356.

gnomAD v4.1: 1 of 1,613,386 alleles (0.000062%); highest among the groups gnomAD compares: Admixed American, 0.0017%; no homozygotes.

Submission:

Ambry Genetics
Classification: Uncertain significance for Cardiovascular phenotype; Hereditary cancer-predisposing syndrome. Last evaluated: 2025-08-04. Review status: criteria provided, single submitter. Criteria: Ambry Variant Classification Scheme 2023. Collection method: clinical testing. Allele origin: germline.
Comment: The p.A617V variant (also known as c.1850C>T), located in coding exon 17 of the NF1 gene, results from a C to T substitution at nucleotide position 1850. The alanine at codon 617 is replaced by valine, an amino acid with similar properties. This amino acid position is conserved. In addition, this alteration is predicted to be tolerated by in silico analysis. Based on the available evidence, the clinical significance of this variant remains unclear.

NM_001042492.3(NF1):c.1850C>T (p.Ala617Val)

Gene: NF1 (neurofibromin 1; plus strand). Cytogenetic location: 17q11.2.
Variant type: single nucleotide variant.
Coding change: c.1850C>T on transcript NM_001042492.3 (MANE Select); coding-DNA position 1850, C replaced by T.
Protein change: p.Ala617Val; replaces alanine 617 with valine.
Molecular consequence: missense variant.
Genome position (GRCh38, 1-based): chr17:31,225,099, C>T. VCF-style: chr17-31225099-C-T. GRCh37 (hg19) VCF-style: chr17-29552117-C-T.
Other names: c.1850C>T, p.Ala617Val (NM_000267.4); short protein forms A617V.
Identifiers: ClinVar variation 4119125 (VCV004119125.1).